The following is an entry in ClinVar:

NM_006348.5(COG5):c.332A>T (p.Gln111Leu)

Gene: COG5 (component of oligomeric golgi complex 5; minus strand). Cytogenetic location: 7q22.3.
Variant type: single nucleotide variant.
Coding change: c.332A>T on transcript NM_006348.5 (MANE Select); coding-DNA position 332, A replaced by T.
Protein change: p.Gln111Leu; replaces glutamine 111 with leucine.
Molecular consequence: missense variant. On other transcripts: intron variant (1).
Genome position (GRCh38, 1-based): chr7:107,548,293, T>A on the plus strand (A>T on the coding strand, the complement: COG5 is on the minus strand). VCF-style: chr7-107548293-T-A. GRCh37 (hg19) VCF-style: chr7-107188738-T-A.
Other names: c.332A>T, p.Gln111Leu (NM_001161520.2, NM_001379511.1, NM_001379512.1 and 4 more transcripts); c.234+9683A>T (NM_001379516.1); short protein forms Q111L.
Identifiers: ClinVar variation 1370297 (VCV001370297.8), dbSNP rs1437532814, ClinGen allele CA368820255.

ClinVar aggregate classification (germline): Uncertain significance (1 of 4 stars; one submission).

Conditions:
COG5-congenital disorder of glycosylation. Also called: CONGENITAL DISORDER OF GLYCOSYLATION, TYPE IIi; CDG IIi; COG5-CDG. Identifiers: Orphanet 263487, MedGen C3150876, MONDO:0013325, OMIM 613612.

Submission:

Labcorp Genetics (formerly Invitae), Labcorp
Classification: Uncertain significance for COG5-congenital disorder of glycosylation. Last evaluated: 2021-07-27. Review status: criteria provided, single submitter. Criteria: Invitae Variant Classification Sherloc (09022015). Collection method: clinical testing. Allele origin: germline.
Comment: This sequence change replaces glutamine with leucine at codon 142 of the COG5 protein (p.Gln142Leu). The glutamine residue is moderately conserved and there is a moderate physicochemical difference between glutamine and leucine. In summary, the available evidence is currently insufficient to determine the role of this variant in disease. Therefore, it has been classified as a Variant of Uncertain Significance. Algorithms developed to predict the effect of missense changes on protein structure and function (SIFT, PolyPhen-2, Align-GVGD) all suggest that this variant is likely to be tolerated. This variant has not been reported in the literature in individuals affected with COG5-related conditions. This variant is not present in population databases (ExAC no frequency).